The following is an entry in ClinVar:

NM_177924.5(ASAH1):c.299A>T (p.Lys100Ile)

Gene: ASAH1 (N-acylsphingosine amidohydrolase 1; minus strand). Cytogenetic location: 8p22.
Variant type: single nucleotide variant.
Coding change: c.299A>T on transcript NM_177924.5 (MANE Select); coding-DNA position 299, A replaced by T.
Protein change: p.Lys100Ile; replaces lysine 100 with isoleucine.
Molecular consequence: missense variant. On other transcripts: intron variant (1).
Genome position (GRCh38, 1-based): chr8:18,069,796, T>A on the plus strand (A>T on the coding strand, the complement: ASAH1 is on the minus strand). VCF-style: chr8-18069796-T-A. GRCh37 (hg19) VCF-style: chr8-17927305-T-A.
Other names: c.104A>T, p.Lys35Ile (NM_001363743.2); c.347A>T, p.Lys116Ile (NM_004315.6); c.285+1504A>T (NM_001127505.3); short protein forms K116I, K35I, K100I.
Identifiers: ClinVar variation 1943496 (VCV001943496.2), dbSNP rs939418633, ClinGen allele CA173146044.
Genomic context (GRCh38, chr8:18,069,796, plus strand): 5'-ATAACAGCGCATTTTCTATGTGCTTAACATTTATTGTGAGAAATAATATCTCTTACCAAT[T>A]TTTCATCCACCACCTGCATAATTTTTCCACTTGGCACGAATGTATTTATCATATTCTTCA-3'
Protein context (NP_808592.2, residues 90-110): SGKIMQVVDE[Lys100Ile]LPGLLGNFPG

ClinVar aggregate classification (germline): Uncertain significance (1 of 4 stars; one submission).

Allele frequency attached by ClinVar (database versions not stated): gnomAD exomes below 0.00001.
gnomAD v4.1: 1 of 1,566,698 alleles (0.000064%); highest among the groups gnomAD compares: Non-Finnish European, 0.000088%; no homozygotes.

Submission:

Labcorp Genetics (formerly Invitae), Labcorp
Classification: Uncertain significance. Last evaluated: 2022-03-17. Review status: criteria provided, single submitter. Criteria: Invitae Variant Classification Sherloc (09022015). Collection method: clinical testing. Allele origin: germline.
Comment: This sequence change replaces lysine, which is basic and polar, with isoleucine, which is neutral and non-polar, at codon 100 of the ASAH1 protein (p.Lys100Ile). This variant is present in population databases (no rsID available, gnomAD 0.0009%). This variant has not been reported in the literature in individuals affected with ASAH1-related conditions. Algorithms developed to predict the effect of missense changes on protein structure and function (SIFT, PolyPhen-2, Align-GVGD) all suggest that this variant is likely to be tolerated. In summary, the available evidence is currently insufficient to determine the role of this variant in disease. Therefore, it has been classified as a Variant of Uncertain Significance.